The following is an entry in ClinVar:

NM_001267550.2(TTN):c.102312G>A (p.Met34104Ile)

Genes: TTN (titin; minus strand), TTN-AS1 (TTN antisense RNA 1; plus strand). Cytogenetic location: 2q31.2.
Variant type: single nucleotide variant.
Coding change: c.102312G>A on transcript NM_001267550.2 (MANE Select); coding-DNA position 102312, G replaced by A.
Protein change: p.Met34104Ile; replaces methionine 34104 with isoleucine.
Molecular consequence: missense variant.
Genome position (GRCh38, 1-based): chr2:178,534,303, C>T on the plus strand (G>A on the coding strand, the complement: TTN is on the minus strand). VCF-style: chr2-178534303-C-T. GRCh37 (hg19) VCF-style: chr2-179399030-C-T.
Other names: c.97389G>A, p.Met32463Ile (NM_001256850.1); c.75117G>A, p.Met25039Ile (NM_003319.4); c.94608G>A, p.Met31536Ile (NM_133378.4); c.75492G>A, p.Met25164Ile (NM_133432.3); c.75693G>A, p.Met25231Ile (NM_133437.4); short protein forms M25039I, M25164I, M25231I, M31536I, M32463I, M34104I.
Identifiers: ClinVar variation 3383458 (VCV003383458.1).

ClinVar aggregate classification (germline): Uncertain significance (1 of 4 stars; one submission).

gnomAD v4.1: 4 of 1,613,782 alleles (0.00025%); highest among the groups gnomAD compares: Non-Finnish European, 0.00034%; no homozygotes.

Submission:

GeneDx
Classification: Uncertain significance. Last evaluated: 2024-05-28. Review status: criteria provided, single submitter. Criteria: GeneDx Variant Classification Process June 2021. Collection method: clinical testing. Allele origin: germline. Affected: yes.
Comment: Not observed at significant frequency in large population cohorts (gnomAD); Missense variant in a gene in which most reported pathogenic variants are truncating/loss of function; Has not been previously published as pathogenic or benign to our knowledge